The following is an entry in ClinVar:

ClinVar aggregate classification (germline): Likely benign (0 of 4 stars; one submission).

Conditions:
KLK4-related disorder. Also called: KLK4-related condition.

Allele frequency attached by ClinVar (database versions not stated): ExAC 0.00054; gnomAD 0.00076; ESP Exome Variant Server 0.00078; TOPMed 0.00091; 1000 Genomes Project 30x 0.00109; 1000 Genomes Project 0.00120.
gnomAD v4.1: 417 of 1,555,804 alleles (0.027%); highest among the groups gnomAD compares: African/African-American, 0.18%; no homozygotes.

Submission:

PreventionGenetics, part of Exact Sciences
Classification: Likely benign for KLK4-related condition. Last evaluated: 2019-03-05. Review status: no assertion criteria provided. Collection method: clinical testing. Allele origin: germline.
Comment: This variant is classified as likely benign based on ACMG/AMP sequence variant interpretation guidelines (Richards et al. 2015 PMID: 25741868, with internal and published modifications).

NM_004917.5(KLK4):c.39G>T (p.Gly13=)

Gene: KLK4 (kallikrein related peptidase 4; minus strand). Cytogenetic location: 19q13.41.
Variant type: single nucleotide variant.
Coding change: c.39G>T on transcript NM_004917.5 (MANE Select); coding-DNA position 39, G replaced by T.
Protein change: p.Gly13=; no amino-acid change (glycine 13 retained).
Molecular consequence: synonymous variant. On other transcripts: 5 prime UTR variant (1), non-coding transcript variant (1).
Genome position (GRCh38, 1-based): chr19:50,910,700, C>A on the plus strand (G>T on the coding strand, the complement: KLK4 is on the minus strand). VCF-style: chr19-50910700-C-A. GRCh37 (hg19) VCF-style: chr19-51413956-C-A.
Other names: c.-259G>T (NM_001302961.2).
Identifiers: ClinVar variation 3034909 (VCV003034909.2), dbSNP rs112486208, ClinGen allele CA9605207.